The following is an entry in ClinVar:

ClinVar aggregate classification (germline): Likely benign. Review status: criteria provided, multiple submitters, no conflicts (2 of 4 stars). 3 submissions from 3 submitters: Likely benign (2). 1 of the submissions does not count toward it. Last evaluated 2025-06-12.

Conditions:
KCNJ5-related disorder. Also called: KCNJ5-related condition.
Cardiovascular phenotype. Identifiers: MedGen CN230736.
Long QT syndrome (LQTS). Identifiers: MedGen C0023976, MeSH D008133, MONDO:0002442. Disease mechanism: loss of function. Inheritance: Various modes of inheritance.

Allele frequency attached by ClinVar (database versions not stated): ESP Exome Variant Server 0.00008; TOPMed below 0.00001.
gnomAD v4.1: 56 of 1,613,930 alleles (0.0035%); highest among the groups gnomAD compares: South Asian, 0.015%; no homozygotes.

Submissions (3):

Labcorp Genetics (formerly Invitae), Labcorp
Classification: Likely benign for Long QT syndrome. Last evaluated: 2025-06-12. Review status: criteria provided, single submitter. Criteria: Invitae Variant Classification Sherloc (09022015). Collection method: clinical testing. Allele origin: germline.

Ambry Genetics
Classification: Likely benign for Cardiovascular phenotype. Last evaluated: 2020-01-24. Review status: criteria provided, single submitter. Criteria: Ambry Variant Classification Scheme 2023. Collection method: clinical testing. Allele origin: germline.

PreventionGenetics, part of Exact Sciences
Classification: Likely benign for KCNJ5-related condition. Last evaluated: 2024-05-07. Review status: no assertion criteria provided. Collection method: clinical testing. Allele origin: germline. Not counted in ClinVar's aggregate classification.
Comment: This variant is classified as likely benign based on ACMG/AMP sequence variant interpretation guidelines (Richards et al. 2015 PMID: 25741868, with internal and published modifications).

NM_000890.5(KCNJ5):c.789G>A (p.Thr263=)

Gene: KCNJ5 (potassium inwardly rectifying channel subfamily J member 5; plus strand). Cytogenetic location: 11q24.3.
Variant type: single nucleotide variant.
Coding change: c.789G>A on transcript NM_000890.5 (MANE Select); coding-DNA position 789, G replaced by A.
Protein change: p.Thr263=; no amino-acid change (threonine 263 retained).
Molecular consequence: synonymous variant.
Genome position (GRCh38, 1-based): chr11:128,912,062, G>A. VCF-style: chr11-128912062-G-A. GRCh37 (hg19) VCF-style: chr11-128781957-G-A.
Other names: c.789G>A, p.Thr263= (NM_001354169.2).
Identifiers: ClinVar variation 1761094 (VCV001761094.6), dbSNP rs139870749, ClinGen allele CA6357938.
Genomic context (GRCh38, chr11:128,912,062, plus strand): 5'-GACCAAAGAGGGGGAGTTCATCCCCCTGAACCAGACAGACATCAACGTGGGCTTTGACAC[G>A]GGCGACGACCGCCTCTTCCTTGTGTCTCCTCTGATCATCTCCCATGAGATCAACCAGAAG-3'
Protein context (NP_000881.3, residues 253-273): NQTDINVGFD[Thr263=]GDDRLFLVSP